The following is an entry in ClinVar:

ClinVar aggregate classification (germline): Likely benign. Review status: criteria provided, multiple submitters, no conflicts (2 of 4 stars). 5 submissions from 5 submitters: Likely benign (3). 2 of the submissions do not count toward it. Last evaluated 2026-01-01.

Conditions:
Early-infantile DEE. Also called: Ohtahara syndrome; Early infantile epileptic encephalopathy with suppression bursts; Early infantile epileptic encephalopathy. Identifiers: Orphanet 1934, MedGen C0393706, MONDO:0800491.

Allele frequency attached by ClinVar (database versions not stated): gnomAD exomes 0.00001 and 0.00002; ExAC 0.00003; gnomAD 0.00011 and 0.00014; TOPMed 0.00011; 1000 Genomes Project 30x 0.00016; 1000 Genomes Project 0.00020.
gnomAD v4.1: 29 of 1,610,120 alleles (0.0018%); highest among the groups gnomAD compares: African/African-American, 0.036%; no homozygotes.

Submissions (5):

Labcorp Genetics (formerly Invitae), Labcorp
Classification: Likely benign for Early-infantile DEE. Last evaluated: 2026-01-01. Review status: criteria provided, single submitter. Criteria: Invitae Variant Classification Sherloc (09022015). Collection method: clinical testing. Allele origin: germline.

Blueprint Genetics
Classification: Likely benign. Last evaluated: 2024-10-07. Review status: criteria provided, single submitter. Criteria: ACMG Guidelines, 2015. Collection method: clinical testing. Allele origin: germline.

GeneDx
Classification: Likely benign. Last evaluated: 2017-05-02. Review status: criteria provided, single submitter. Criteria: GeneDx Variant Classification (06012015). Collection method: clinical testing. Allele origin: germline. Affected: yes.
Comment: This variant is considered likely benign or benign based on one or more of the following criteria: it is a conservative change, it occurs at a poorly conserved position in the protein, it is predicted to be benign by multiple in silico algorithms, and/or has population frequency not consistent with disease.

Genome Diagnostics Laboratory, University Medical Center Utrecht
Classification: Likely benign. Review status: no assertion criteria provided. Collection method: clinical testing. Allele origin: germline. Affected: yes. Study: VKGL Data-share Consensus. Not counted in ClinVar's aggregate classification.

Joint Genome Diagnostic Labs from Nijmegen and Maastricht, Radboudumc and MUMC+
Classification: Likely benign. Review status: no assertion criteria provided. Collection method: clinical testing. Allele origin: germline. Affected: yes. Study: VKGL Data-share Consensus. Not counted in ClinVar's aggregate classification.

NM_001330260.2(SCN8A):c.2586C>T (p.Asn862=)

Gene: SCN8A (sodium voltage-gated channel alpha subunit 8; plus strand). Cytogenetic location: 12q13.13.
Variant type: single nucleotide variant.
Coding change: c.2586C>T on transcript NM_001330260.2 (MANE Select); coding-DNA position 2586, C replaced by T.
Protein change: p.Asn862=; no amino-acid change (asparagine 862 retained).
Molecular consequence: synonymous variant.
Genome position (GRCh38, 1-based): chr12:51,765,712, C>T. VCF-style: chr12-51765712-C-T. GRCh37 (hg19) VCF-style: chr12-52159496-C-T.
Other names: c.2586C>T, p.Asn862= (NM_001177984.3, NM_001369788.1, NM_014191.4).
Identifiers: ClinVar variation 509331 (VCV000509331.17), dbSNP rs377396450, ClinGen allele CA6571500.